The following is an entry in ClinVar:

NM_001289104.2(PRKCSH):c.807C>T (p.Tyr269=)

Gene: PRKCSH (PRKCSH beta subunit of glucosidase II; plus strand). Cytogenetic location: 19p13.2.
Variant type: single nucleotide variant.
Coding change: c.807C>T on transcript NM_001289104.2 (MANE Select); coding-DNA position 807, C replaced by T.
Protein change: p.Tyr269=; no amino-acid change (tyrosine 269 retained).
Molecular consequence: synonymous variant.
Genome position (GRCh38, 1-based): chr19:11,447,118, C>T. VCF-style: chr19-11447118-C-T. GRCh37 (hg19) VCF-style: chr19-11557933-C-T.
Other names: c.807C>T, p.Tyr269= (NM_001001329.3, NM_001289102.2, NM_001289103.2 and 3 more transcripts).
Identifiers: ClinVar variation 328182 (VCV000328182.17), dbSNP rs201337319, ClinGen allele CA9213002.
Genomic context (GRCh38, chr19:11,447,118, plus strand): 5'-CCCCCAACACACACAGGCCCTCCTCAGTGGGGACACACAGACAGACGCCACCTCTTTCTA[C>T]GACCGCGTCTGGGCCGCCATCAGGGACAAGTACCGGTCCGAGGTCAGTGGAGGAGAAGGG-3'
Protein context (NP_001276033.1, residues 259-279): GDTQTDATSF[Tyr269=]DRVWAAIRDK

ClinVar aggregate classification (germline): Benign/Likely benign. Review status: criteria provided, multiple submitters, no conflicts (2 of 4 stars). 5 submissions from 5 submitters: Benign (3); Likely benign (2). Last evaluated 2025-11-25.

Conditions:
Polycystic liver disease 1 (PCLD1). Also called: Polycystic liver disease 1 with or without kidney cysts. Identifiers: Orphanet 2924, MedGen C0887850, MONDO:0008265, OMIM 174050.

Allele frequency attached by ClinVar (database versions not stated): gnomAD exomes 0.00026 and 0.00044; ExAC 0.00050; ESP Exome Variant Server 0.00069; gnomAD 0.00117 and 0.00125; TOPMed 0.00127; 1000 Genomes Project 0.00140; 1000 Genomes Project 30x 0.00172.
gnomAD v4.1: 582 of 1,613,998 alleles (0.036%); highest among the groups gnomAD compares: African/African-American, 0.39%; 1 homozygote.

Submissions (5):

Labcorp Genetics (formerly Invitae), Labcorp
Classification: Benign. Last evaluated: 2025-11-25. Review status: criteria provided, single submitter. Criteria: Invitae Variant Classification Sherloc (09022015). Collection method: clinical testing. Allele origin: germline.

Blueprint Genetics
Classification: Likely benign. Last evaluated: 2024-08-08. Review status: criteria provided, single submitter. Criteria: ACMG Guidelines, 2015. Collection method: clinical testing. Allele origin: germline.

Fulgent Genetics
Classification: Likely benign for Polycystic liver disease 1. Last evaluated: 2021-10-06. Review status: criteria provided, single submitter. Criteria: ACMG Guidelines, 2015. Collection method: clinical testing. Allele origin: unknown.

Illumina Laboratory Services, Illumina
Classification: Benign for Polycystic liver disease 1. Last evaluated: 2018-01-12. Review status: criteria provided, single submitter. Criteria: ICSL Variant Classification Criteria 13 December 2019. Collection method: clinical testing. Allele origin: germline.
Comment: This variant was observed in the ICSL laboratory as part of a predisposition screen in an ostensibly healthy population. It had not been previously curated by ICSL or reported in the Human Gene Mutation Database (HGMD: prior to June 1st, 2018), and was therefore a candidate for classification through an automated scoring system. Utilizing variant allele frequency, disease prevalence and penetrance estimates, and inheritance mode, an automated score was calculated to assess if this variant is too frequent to cause the disease. Based on the score and internal cut-off values, a variant classified as benign is not then subjected to further curation. The score for this variant resulted in a classification of benign for this disease.

Breakthrough Genomics
Classification: Benign. Review status: criteria provided, single submitter. Criteria: ACMG Guidelines, 2015. Collection method: not provided. Allele origin: germline. Inheritance: Autosomal dominant inheritance. Affected: yes.